The following is an entry in ClinVar:

NM_005618.4(DLL1):c.1721A>G (p.Gln574Arg)

Gene: DLL1 (delta like canonical Notch ligand 1; minus strand). Cytogenetic location: 6q27.
Variant type: single nucleotide variant.
Coding change: c.1721A>G on transcript NM_005618.4 (MANE Select); coding-DNA position 1721, A replaced by G.
Protein change: p.Gln574Arg; replaces glutamine 574 with arginine.
Molecular consequence: missense variant.
Genome position (GRCh38, 1-based): chr6:170,283,558, T>C on the plus strand (A>G on the coding strand, the complement: DLL1 is on the minus strand). VCF-style: chr6-170283558-T-C. GRCh37 (hg19) VCF-style: chr6-170592646-T-C.
Other names: short protein forms Q574R.
Identifiers: ClinVar variation 2775642 (VCV002775642.3), dbSNP rs757744319, ClinGen allele CA4106750.

ClinVar aggregate classification (germline): Uncertain significance (1 of 4 stars; one submission).

Allele frequency attached by ClinVar (database versions not stated): gnomAD exomes below 0.00001; ExAC 0.00001.

Submission:

Labcorp Genetics (formerly Invitae), Labcorp
Classification: Uncertain significance. Last evaluated: 2024-05-13. Review status: criteria provided, single submitter. Criteria: Invitae Variant Classification Sherloc (09022015). Collection method: clinical testing. Allele origin: germline.
Comment: This sequence change replaces glutamine, which is neutral and polar, with arginine, which is basic and polar, at codon 574 of the DLL1 protein (p.Gln574Arg). This variant is present in population databases (rs757744319, gnomAD 0.006%). This variant has not been reported in the literature in individuals affected with DLL1-related conditions. An algorithm developed to predict the effect of missense changes on protein structure and function (PolyPhen-2) suggests that this variant is likely to be disruptive. In summary, the available evidence is currently insufficient to determine the role of this variant in disease. Therefore, it has been classified as a Variant of Uncertain Significance.